The following is an entry in ClinVar:

ClinVar aggregate classification (germline): Uncertain significance (1 of 4 stars; one submission).

Conditions:
Nemaline myopathy 2 (NEM2). Also called: Nemaline myopathy 2, autosomal recessive. Identifiers: MedGen C1850569, MONDO:0009725, OMIM 256030.

Submission:

Labcorp Genetics (formerly Invitae), Labcorp
Classification: Uncertain significance for Nemaline myopathy 2. Last evaluated: 2022-10-13. Review status: criteria provided, single submitter. Criteria: Invitae Variant Classification Sherloc (09022015). Collection method: clinical testing. Allele origin: germline.
Comment: In summary, the available evidence is currently insufficient to determine the role of this variant in disease. Therefore, it has been classified as a Variant of Uncertain Significance. Algorithms developed to predict the effect of missense changes on protein structure and function are either unavailable or do not agree on the potential impact of this missense change (SIFT: "Deleterious"; PolyPhen-2: "Not Available"; Align-GVGD: "Class C0"). ClinVar contains an entry for this variant (Variation ID: 465436). This variant has not been reported in the literature in individuals affected with NEB-related conditions. This variant is not present in population databases (gnomAD no frequency). This sequence change replaces lysine, which is basic and polar, with glutamic acid, which is acidic and polar, at codon 3814 of the NEB protein (p.Lys3814Glu).

NM_001164508.2(NEB):c.11440A>G (p.Lys3814Glu)

Gene: NEB (nebulin; minus strand). Cytogenetic location: 2q23.3.
Variant type: single nucleotide variant.
Coding change: c.11440A>G on transcript NM_001164508.2 (MANE Select); coding-DNA position 11440, A replaced by G.
Protein change: p.Lys3814Glu; replaces lysine 3814 with glutamic acid.
Molecular consequence: missense variant.
Genome position (GRCh38, 1-based): chr2:151,614,437, T>C on the plus strand (A>G on the coding strand, the complement: NEB is on the minus strand). VCF-style: chr2-151614437-T-C. GRCh37 (hg19) VCF-style: chr2-152470951-T-C.
Other names: c.11440A>G, p.Lys3814Glu (NM_001164507.2, NM_001271208.2); c.10711A>G, p.Lys3571Glu (NM_004543.5); short protein forms K3814E, K3571E.
Identifiers: ClinVar variation 465436 (VCV000465436.8), dbSNP rs1553897365, ClinGen allele CA348781812.